The following is an entry in ClinVar:

NM_206933.4(USH2A):c.14338A>G (p.Thr4780Ala)

Gene: USH2A (usherin; minus strand). Cytogenetic location: 1q41.
Variant type: single nucleotide variant.
Coding change: c.14338A>G on transcript NM_206933.4 (MANE Select); coding-DNA position 14338, A replaced by G.
Protein change: p.Thr4780Ala; replaces threonine 4780 with alanine.
Molecular consequence: missense variant.
Genome position (GRCh38, 1-based): chr1:215,650,597, T>C on the plus strand (A>G on the coding strand, the complement: USH2A is on the minus strand). VCF-style: chr1-215650597-T-C. GRCh37 (hg19) VCF-style: chr1-215823939-T-C.
Other names: short protein forms T4780A.
Identifiers: ClinVar variation 1980892 (VCV001980892.3), dbSNP rs745844589, ClinGen allele CA1393058.

ClinVar aggregate classification (germline): Uncertain significance (1 of 4 stars; one submission).

Allele frequency attached by ClinVar (database versions not stated): TOPMed below 0.00001; gnomAD 0.00001; gnomAD exomes 0.00002; ExAC 0.00003.
gnomAD v4.1: 14 of 1,614,022 alleles (0.00087%); highest among the groups gnomAD compares: East Asian, 0.029%; no homozygotes.

Submission:

Labcorp Genetics (formerly Invitae), Labcorp
Classification: Uncertain significance. Last evaluated: 2022-07-17. Review status: criteria provided, single submitter. Criteria: Invitae Variant Classification Sherloc (09022015). Collection method: clinical testing. Allele origin: germline.
Comment: This sequence change replaces threonine, which is neutral and polar, with alanine, which is neutral and non-polar, at codon 4780 of the USH2A protein (p.Thr4780Ala). This variant is present in population databases (rs745844589, gnomAD 0.03%). This variant has not been reported in the literature in individuals affected with USH2A-related conditions. Algorithms developed to predict the effect of missense changes on protein structure and function output the following: SIFT: "Tolerated"; PolyPhen-2: "Benign"; Align-GVGD: "Class C0". The alanine amino acid residue is found in multiple mammalian species, which suggests that this missense change does not adversely affect protein function. In summary, the available evidence is currently insufficient to determine the role of this variant in disease. Therefore, it has been classified as a Variant of Uncertain Significance.